The following is an entry in ClinVar:

ClinVar aggregate classification (germline): Likely benign. Review status: criteria provided, multiple submitters, no conflicts (2 of 4 stars). 4 submissions from 4 submitters: Likely benign (4). Last evaluated 2025-04-28.

Conditions:
TRIOBP-related disorder. Also called: TRIOBP-related condition.

Allele frequency attached by ClinVar (database versions not stated): TOPMed 0.00010; gnomAD 0.00014 and 0.00016; gnomAD exomes 0.00022; ExAC 0.00025.
gnomAD v4.1: 323 of 1,608,468 alleles (0.02%); highest among the groups gnomAD compares: Non-Finnish European, 0.022%; no homozygotes.

Submissions (4):

Labcorp Genetics (formerly Invitae), Labcorp
Classification: Likely benign. Last evaluated: 2025-04-28. Review status: criteria provided, single submitter. Criteria: Invitae Variant Classification Sherloc (09022015). Collection method: clinical testing. Allele origin: germline.

PreventionGenetics, part of Exact Sciences
Classification: Likely benign for TRIOBP-related condition. Last evaluated: 2024-12-30. Review status: criteria provided, single submitter. Criteria: ACMG Guidelines, 2015. Collection method: clinical testing. Allele origin: germline.
Comment: This variant is classified as likely benign based on ACMG/AMP sequence variant interpretation guidelines (Richards et al. 2015 PMID: 25741868, with internal and published modifications).

Blueprint Genetics
Classification: Likely benign. Last evaluated: 2024-10-15. Review status: criteria provided, single submitter. Criteria: ACMG Guidelines, 2015. Collection method: clinical testing. Allele origin: germline.

GeneDx
Classification: Likely benign. Last evaluated: 2019-10-01. Review status: criteria provided, single submitter. Criteria: GeneDx Variant Classification Process June 2021. Collection method: clinical testing. Allele origin: germline. Affected: yes.

NM_001039141.3(TRIOBP):c.6214-5C>T

Gene: TRIOBP (TRIO and F-actin binding protein; plus strand). Cytogenetic location: 22q13.1.
Variant type: single nucleotide variant.
Coding change: c.6214-5C>T on transcript NM_001039141.3 (MANE Select); 5 bases into the intron before coding-DNA position 6214, C replaced by T.
Molecular consequence: intron variant.
Genome position (GRCh38, 1-based): chr22:37,759,149, C>T. VCF-style: chr22-37759149-C-T. GRCh37 (hg19) VCF-style: chr22-38155156-C-T.
Other names: c.1075-5C>T (NM_007032.5, NM_138632.2); c.6214-5C>T (NM_001039141.2).
Identifiers: ClinVar variation 1180088 (VCV001180088.9), dbSNP rs757683143, ClinGen allele CA10224916.
Genomic context (GRCh38, chr22:37,759,149, plus strand): 5'-CTCACTGCCTTCCACCAGCCCTGCCCCAGCTTCCAGGTCCCACTGACCACCCTTCTCCCT[C>T]GTAGGTTCAGGCTCTTCGGGCCCAGCTGGAGGCGTGGCGTCTCCAAGGGGAGGCTCCTCA-3'